The following is an entry in ClinVar:

NM_001385641.1(SAMD11):c.1727_1790del (p.Gln576fs)

Gene: SAMD11 (sterile alpha motif domain containing 11; plus strand). Cytogenetic location: 1p36.33.
Variant type: Deletion.
Coding change: c.1727_1790del on transcript NM_001385641.1 (MANE Select); coding-DNA positions 1727 to 1790, 64 bases deleted.
Protein change: p.Gln576fs; shifts the reading frame from glutamine 576.
Molecular consequence: frameshift variant.
Genome position (GRCh38, 1-based): chr1:942,732-942,795, 64 bases deleted. GRCh37 (hg19): chr1:878,112-878,175.
Other names: c.1730_1793del, p.Gln577fs (NM_001385640.1); c.1238_1301del, p.Gln413fs (NM_152486.4); short protein forms Q413fs, Q576fs, Q577fs.
Identifiers: ClinVar variation 1346919 (VCV001346919.6), dbSNP rs1557610414, ClinGen allele CA520630728.

ClinVar aggregate classification (germline): Uncertain significance (1 of 4 stars; one submission).

Allele frequency attached by ClinVar (database versions not stated): gnomAD 0.00001; gnomAD exomes 0.00001.

Submission:

Labcorp Genetics (formerly Invitae), Labcorp
Classification: Uncertain significance. Last evaluated: 2024-04-05. Review status: criteria provided, single submitter. Criteria: Invitae Variant Classification Sherloc (09022015). Collection method: clinical testing. Allele origin: germline.
Comment: This sequence change creates a premature translational stop signal (p.Gln413Argfs*17) in the SAMD11 gene. It is expected to result in an absent or disrupted protein product. However, the current clinical and genetic evidence is not sufficient to establish whether loss-of-function variants in SAMD11 cause disease. This variant is present in population databases (no rsID available, gnomAD 0.004%). This variant has not been reported in the literature in individuals affected with SAMD11-related conditions. ClinVar contains an entry for this variant (Variation ID: 1346919). In summary, the available evidence is currently insufficient to determine the role of this variant in disease. Therefore, it has been classified as a Variant of Uncertain Significance.